The following is an entry in ClinVar:

NM_019098.5(CNGB3):c.1243C>T (p.Gln415Ter)

Gene: CNGB3 (cyclic nucleotide gated channel subunit beta 3; minus strand). Cytogenetic location: 8q21.3.
Variant type: single nucleotide variant.
Coding change: c.1243C>T on transcript NM_019098.5 (MANE Select); coding-DNA position 1243, C replaced by T.
Protein change: p.Gln415Ter; replaces glutamine 415 with a stop codon.
Molecular consequence: nonsense.
Genome position (GRCh38, 1-based): chr8:86,632,829, G>A on the plus strand (C>T on the coding strand, the complement: CNGB3 is on the minus strand). VCF-style: chr8-86632829-G-A. GRCh37 (hg19) VCF-style: chr8-87645057-G-A.
Other names: short protein forms Q415*.
Identifiers: ClinVar variation 427689 (VCV000427689.2), dbSNP rs1554610668, ClinGen allele CA371444294.

ClinVar aggregate classification (germline): Pathogenic. Review status: criteria provided, single submitter (1 of 4 stars). 2 submissions from 2 submitters: Pathogenic (1). 1 of the submissions does not count toward it. Last evaluated 2025-08-15.

Conditions:
Achromatopsia. Also called: Rod monochromatism. Identifiers: Orphanet 49382, MedGen C0152200, MONDO:0018852, HP:0011516.
Achromatopsia 3 (ACHM3). Also called: TOTAL COLORBLINDNESS WITH MYOPIA; ROD MONOCHROMACY 1; ROD MONOCHROMATISM 1; PINGELAPESE BLINDNESS; ACHROMATOPSIA WITH MYOPIA. Identifiers: Orphanet 49382, MedGen C1849792, MONDO:0009875, OMIM 262300.

Submissions (2):

Natera, Inc.
Classification: Pathogenic for Achromatopsia. Last evaluated: 2025-08-15. Review status: criteria provided, single submitter. Criteria: Natera Variant Classification Schema (03/2026). Collection method: clinical testing. Allele origin: germline.
Comment: The c.1243C>T variant in CNGB3 is a nonsense variant predicted to introduce a stop codon at amino acid 415. This variant is expected to result in nonsense mediated decay, truncation, or a dysfunctional protein product. This variant is rare in the general population with a frequency below the threshold expected for the associated phenotype(s). This variant has been observed in one or more individuals affected with the associated recessive disease, as either homozygous or compound heterozygous with a second variant (PMID: 28795510). Given the available evidence, this variant is classified as Pathogenic.

Molecular Genetics Laboratory, Institute for Ophthalmic Research
Classification: Pathogenic for ACHM3. Last evaluated: 2017-03-27. Review status: no assertion criteria provided. Collection method: research. Allele origin: unknown. Affected: yes. Not counted in ClinVar's aggregate classification.

Literature cited by the submitters: PubMed 28795510 (cited by Natera, Inc. and Molecular Genetics Laboratory, Institute for Ophthalmic Research).